The following is an entry in ClinVar:

ClinVar aggregate classification (germline): Uncertain significance (1 of 4 stars; one submission).

Conditions:
Joubert syndrome. Also called: CEREBELLOPARENCHYMAL DISORDER IV; JOUBERT-BOLTSHAUSER SYNDROME; Familial aplasia of the vermis. Identifiers: Orphanet 475, MedGen C5979921, MONDO:0018772.
Meckel-Gruber syndrome. Also called: DYSENCEPHALIA SPLANCHNOCYSTICA; GRUBER SYNDROME; Dysencephalia splachnocystica. Identifiers: Orphanet 564, MedGen C0265215, MONDO:0018921.

Allele frequency attached by ClinVar (database versions not stated): gnomAD exomes below 0.00001.
gnomAD v4.1: 1 of 1,613,954 alleles (0.000062%); highest among the groups gnomAD compares: Non-Finnish European, 0.000085%; no homozygotes.

Submission:

Labcorp Genetics (formerly Invitae), Labcorp
Classification: Uncertain significance for Joubert syndrome; Meckel-Gruber syndrome. Last evaluated: 2022-08-09. Review status: criteria provided, single submitter. Criteria: Invitae Variant Classification Sherloc (09022015). Collection method: clinical testing. Allele origin: germline.
Comment: This sequence change replaces phenylalanine, which is neutral and non-polar, with leucine, which is neutral and non-polar, at codon 581 of the RPGRIP1L protein (p.Phe581Leu). This variant is not present in population databases (gnomAD no frequency). This variant has not been reported in the literature in individuals affected with RPGRIP1L-related conditions. ClinVar contains an entry for this variant (Variation ID: 1433358). Algorithms developed to predict the effect of missense changes on protein structure and function (SIFT, PolyPhen-2, Align-GVGD) all suggest that this variant is likely to be tolerated. In summary, the available evidence is currently insufficient to determine the role of this variant in disease. Therefore, it has been classified as a Variant of Uncertain Significance.

NM_015272.5(RPGRIP1L):c.1743T>A (p.Phe581Leu)

Gene: RPGRIP1L (RPGRIP1 like; minus strand). Cytogenetic location: 16q12.2.
Variant type: single nucleotide variant.
Coding change: c.1743T>A on transcript NM_015272.5 (MANE Select); coding-DNA position 1743, T replaced by A.
Protein change: p.Phe581Leu; replaces phenylalanine 581 with leucine.
Molecular consequence: missense variant.
Genome position (GRCh38, 1-based): chr16:53,652,944, A>T on the plus strand (T>A on the coding strand, the complement: RPGRIP1L is on the minus strand). VCF-style: chr16-53652944-A-T. GRCh37 (hg19) VCF-style: chr16-53686856-A-T.
Other names: c.1743T>A, p.Phe581Leu (NM_001127897.4, NM_001308334.3, NM_001330538.2); short protein forms F581L.
Identifiers: ClinVar variation 1433358 (VCV001433358.3), dbSNP rs1966909934, ClinGen allele CA395917424.